The following is an entry in ClinVar:

ClinVar aggregate classification (germline): Conflicting classifications of pathogenicity. Review status: criteria provided, conflicting classifications (1 of 4 stars). 10 submissions from 8 submitters: Pathogenic (4); Likely pathogenic (4); Uncertain significance (1). 1 of the submissions does not count toward it. Last evaluated 2026-01-18.

Conditions:
Severe early-childhood-onset retinal dystrophy (STGD1). Also called: Stargardt macular dystrophy; Juvenile onset macular degeneration; Stargardt disease 1; MACULAR DYSTROPHY WITH FLECKS, TYPE 1; STGD. Identifiers: Orphanet 364055, Orphanet 827, MedGen C1855465, MeSH D000080362, MONDO:0009549, OMIM 248200.
ABCA4-related disorder. Also called: ABCA4-related condition; ABCA4-related disorders. Identifiers: MedGen CN239167.
Retinal dystrophy. Also called: Inherited retinal dystrophy. Identifiers: Orphanet 71862, MedGen C0854723, MeSH D058499, MONDO:0019118, HP:0000556.
Retinitis pigmentosa 1 (RP1). Identifiers: Orphanet 791, MedGen C0220701, MONDO:0008377, OMIM 180100.
Retinitis pigmentosa 19 (RP19). Also called: ABCA4-Related Retinitis Pigmentosa. Identifiers: Orphanet 791, MedGen C1866422, MONDO:0011137, OMIM 601718.
Cone-rod dystrophy. Also called: Cone/cone-rod dystrophy; Cone-rod degeneration. Identifiers: Orphanet 1872, MedGen C4085590, MONDO:0015993, HP:0000548.

Allele frequency attached by ClinVar (database versions not stated): gnomAD 0.00001; gnomAD exomes 0.00001; TOPMed 0.00001; ExAC 0.00004; 1000 Genomes Project 30x 0.00016.
gnomAD v4.1: 16 of 1,613,386 alleles (0.00099%); highest among the groups gnomAD compares: Non-Finnish European, 0.0011%; no homozygotes.

Submissions (10):

Labcorp Genetics (formerly Invitae), Labcorp
Classification: Pathogenic. Last evaluated: 2026-01-18. Review status: criteria provided, single submitter. Criteria: Invitae Variant Classification Sherloc (09022015). Collection method: clinical testing. Allele origin: germline.
Comment: This sequence change replaces arginine, which is basic and polar, with tryptophan, which is neutral and slightly polar, at codon 1705 of the ABCA4 protein (p.Arg1705Trp). The frequency data for this variant in the population databases is considered unreliable, as metrics indicate poor data quality at this position in the gnomAD database. This missense change has been observed in individuals with Stargardt disease (PMID: 25444351, 32307445; internal data). ClinVar contains an entry for this variant (Variation ID: 632119). Invitae Evidence Modeling of protein sequence and biophysical properties (such as structural, functional, and spatial information, amino acid conservation, physicochemical variation, residue mobility, and thermodynamic stability) indicates that this missense variant is expected to disrupt ABCA4 protein function with a positive predictive value of 95%. This variant disrupts the p.Arg1705 amino acid residue in ABCA4. Other variant(s) that disrupt this residue have been determined to be pathogenic (PMID: 17325179, 23419329, 23769331). This suggests that this residue is clinically significant, and that variants that disrupt this residue are likely to be disease-causing. For these reasons, this variant has been classified as Pathogenic.

PreventionGenetics, part of Exact Sciences
Classification: Pathogenic for ABCA4-related condition. Last evaluated: 2025-10-07. Review status: criteria provided, single submitter. Criteria: ACMG Guidelines, 2015. Collection method: clinical testing. Allele origin: germline.
Comment: The ABCA4 c.5113C>T variant is predicted to result in the amino acid substitution p.Arg1705Trp. This variant has been reported along with a second ABCA4 variant in individuals with retinal disease (Fujinami et al. 2013. PubMed ID: 23982839; Table S1, Weisschuh et al. 2020. PubMed ID: 32531858; Table S1, Lin et al. 2024. PubMed ID: 38219857). This variant was also described in a large cohort of individuals with Stargardt disease (Lambertus et al. 2014. PubMed ID: 25444351). Alternate substitutions of this amino acid residue (p.Arg1705Leu and p.Arg1705Gln) have also been reported in individuals with ABCA4-related retinal disease (Table S1, Fujinami et al. 2018. PubMed ID: 29925512). This variant is present in 0.0040% of alleles in individuals of European (Finnish) descent in gnomAD. This variant is interpreted as pathogenic.

Blueprint Genetics
Classification: Pathogenic for ABCA4-related disorders. Last evaluated: 2024-07-16. Review status: criteria provided, single submitter. Criteria: ACMG Guidelines, 2015. Collection method: clinical testing. Allele origin: germline. Affected: yes. Observed: 5 variant alleles.

Institute of Human Genetics, University of Leipzig Medical Center
Classification: Likely pathogenic for Retinitis pigmentosa 19. Last evaluated: 2024-06-19. Review status: criteria provided, single submitter. Criteria: ACMG Guidelines, 2015. Collection method: clinical testing. Allele origin: unknown. Inheritance: Autosomal recessive inheritance. Affected: yes.
Comment: Criteria applied: PM2,PM3,PM5,PP3

Institute of Human Genetics, University of Leipzig Medical Center
Classification: Likely pathogenic for Retinitis pigmentosa 1. Last evaluated: 2023-07-04. Review status: criteria provided, single submitter. Criteria: ACMG Guidelines, 2015. Collection method: clinical testing. Allele origin: unknown. Inheritance: Autosomal recessive inheritance. Affected: yes.
Comment: Criteria applied: PM1,PM5,PM2_SUP,PP3,PP4, PS4_MOD

Institute of Human Genetics, University of Leipzig Medical Center
Classification: Likely pathogenic for Severe early-childhood-onset retinal dystrophy. Last evaluated: 2022-06-21. Review status: criteria provided, single submitter. Criteria: ACMG Guidelines, 2015. Collection method: clinical testing. Allele origin: unknown. Affected: yes.
Comment: _x000D_ Criteria applied: PM3, PM2_SUP, PM5_SUP, PP3, PP4

CeGaT Center for Human Genetics Tuebingen
Classification: Uncertain significance. Last evaluated: 2021-05-01. Review status: criteria provided, single submitter. Criteria: CeGaT Center For Human Genetics Tuebingen Variant Classification Criteria Version 2. Collection method: clinical testing. Allele origin: germline. Affected: yes. Observed: 2 variant alleles.

Molecular Genetics Laboratory, Institute for Ophthalmic Research
Classification: Pathogenic for Cone-rod dystrophy. Last evaluated: 2020-01-09. Review status: criteria provided, single submitter. Criteria: ACMG Guidelines, 2015. Collection method: research. Allele origin: germline. Affected: yes.

Institute of Human Genetics, Univ. Regensburg, Univ. Regensburg
Classification: Likely pathogenic for Retinal dystrophy. Last evaluated: 2013-01-01. Review status: criteria provided, single submitter. Criteria: ACMG Guidelines, 2015. Collection method: clinical testing. Allele origin: germline. Affected: yes.

Ophthalmo-Genetics Lab, Instituto de Oftalmologia Conde de Valenciana
Classification: Pathogenic for Severe early-childhood-onset retinal dystrophy. Review status: no assertion criteria provided. Collection method: research. Allele origin: germline. Inheritance: Autosomal recessive inheritance. Affected: yes. Not counted in ClinVar's aggregate classification.

Literature cited by the submitters: PubMed 25444351 (cited by Labcorp Genetics (formerly Invitae), Labcorp); PubMed 32307445 (cited by Labcorp Genetics (formerly Invitae), Labcorp and Institute of Human Genetics, Univ. Regensburg, Univ. Regensburg); PubMed 17325179 (cited by Labcorp Genetics (formerly Invitae), Labcorp); PubMed 23419329 (cited by Labcorp Genetics (formerly Invitae), Labcorp); PubMed 23769331 (cited by Labcorp Genetics (formerly Invitae), Labcorp); PubMed 20029649 (cited by Institute of Human Genetics, Univ. Regensburg, Univ. Regensburg); PubMed 31054281 (cited by Institute of Human Genetics, Univ. Regensburg, Univ. Regensburg); PubMed 31964843 (cited by Institute of Human Genetics, Univ. Regensburg, Univ. Regensburg); PubMed 32531858 (cited by Institute of Human Genetics, Univ. Regensburg, Univ. Regensburg); PubMed 23982839 (cited by Ophthalmo-Genetics Lab, Instituto de Oftalmologia Conde de Valenciana).

NM_000350.3(ABCA4):c.5113C>T (p.Arg1705Trp)

Gene: ABCA4 (ATP binding cassette subfamily A member 4; minus strand). Cytogenetic location: 1p22.1.
Variant type: single nucleotide variant.
Coding change: c.5113C>T on transcript NM_000350.3 (MANE Select); coding-DNA position 5113, C replaced by T.
Protein change: p.Arg1705Trp; replaces arginine 1705 with tryptophan.
Molecular consequence: missense variant.
Genome position (GRCh38, 1-based): chr1:94,019,665, G>A on the plus strand (C>T on the coding strand, the complement: ABCA4 is on the minus strand). VCF-style: chr1-94019665-G-A. GRCh37 (hg19) VCF-style: chr1-94485221-G-A.
Other names: c.4891C>T, p.Arg1631Trp (NM_001425324.1); short protein forms R1705W, R1631W.
Identifiers: ClinVar variation 632119 (VCV000632119.63), dbSNP rs771038310, ClinGen allele CA957376.